The following is an entry in ClinVar:

ClinVar aggregate classification (germline): Likely pathogenic (1 of 4 stars; one submission).

Conditions:
Neurodevelopmental disorder with or without anomalies of the brain, eye, or heart (NEDBEH). Identifiers: Orphanet 494344, MedGen C5567477, MONDO:0014857, OMIM 616975.

Submission:

Victorian Clinical Genetics Services, Murdoch Childrens Research Institute
Classification: Likely pathogenic for Neurodevelopmental disorder with or without anomalies of the brain, eye, or heart. Last evaluated: 2023-07-17. Review status: criteria provided, single submitter. Criteria: ACMG Guidelines, 2015. Collection method: clinical testing. Allele origin: germline. Inheritance: Autosomal dominant inheritance. Affected: yes.
Comment: Based on the classification scheme VCGS_Germline_v1.3.4, this variant is classified as Likely Pathogenic. Following criteria are met: 0102 - Loss of function is a known mechanism of disease in this gene and is associated with neurodevelopmental disorder with or without anomalies of the brain, eye, or heart (MIM#616975). The mechanism for missense variants is unclear. (I) 0107 - This gene is associated with autosomal dominant disease. (I) 0211 - Canonical splice site variant without proven consequence on splicing (no functional evidence available). (SP) 0251 - This variant is heterozygous. (I) 0301 - Variant is absent from gnomAD (both v2 and v3). (SP) 0505 - Abnormal splicing is predicted by in silico tools and affected nucleotide is highly conserved. (SP) 0705 - No comparable splice variants have previous evidence for pathogenicity. (I) 0807 - This variant has no previous evidence of pathogenicity. (I) 0905 - No published segregation evidence has been identified for this variant. (I) 1007 - No published functional evidence has been identified for this variant. (SP) Legend: (SP) - Supporting pathogenic, (I) - Information, (SB) - Supporting benign

NM_001042681.2(RERE):c.726-2A>G

Gene: RERE (arginine-glutamic acid dipeptide repeats; minus strand). Cytogenetic location: 1p36.23.
Variant type: single nucleotide variant.
Coding change: c.726-2A>G on transcript NM_001042681.2 (MANE Select); the canonical splice acceptor site of the intron before coding-DNA position 726, A replaced by G.
Molecular consequence: splice acceptor variant.
Genome position (GRCh38, 1-based): chr1:8,541,320, T>C on the plus strand (A>G on the coding strand, the complement: RERE is on the minus strand). VCF-style: chr1-8541320-T-C. GRCh37 (hg19) VCF-style: chr1-8601379-T-C.
Other names: c.726-2A>G (NM_012102.4).
Identifiers: ClinVar variation 3254893 (VCV003254893.1), dbSNP rs2522088775.